The following is an entry in ClinVar:

NM_001927.4(DES):c.544_555del (p.Asn182_Asp185del)

Gene: DES (desmin; plus strand). Cytogenetic location: 2q35.
Variant type: Deletion.
Coding change: c.544_555del on transcript NM_001927.4 (MANE Select); coding-DNA positions 544 to 555, 12 bases deleted (AACCTGCTCGAC).
Protein change: p.Asn182_Asp185del.
Molecular consequence: inframe deletion.
Genome position (GRCh38, 1-based): chr2:219,419,006-219,419,017, AACCTGCTCGAC deleted; deleting any 12 consecutive bases within chr2:219,419,002-219,419,017 gives the same sequence; the c. name uses the placement nearest the transcript's 3' end. VCF-style (leftmost placement, unchanged base first): chr2-219419001-GCGACAACCTGCT-G. GRCh37 (hg19) VCF-style: chr2-220283723-GCGACAACCTGCT-G.
Identifiers: ClinVar variation 855478 (VCV000855478.10), dbSNP rs1954382461, ClinGen allele CA916081392.

ClinVar aggregate classification (germline): Uncertain significance (1 of 4 stars; one submission).

Conditions:
Desmin-related myofibrillar myopathy (MFM1). Also called: MYOFIBRILLAR MYOPATHY WITH ARRHYTHMOGENIC RIGHT VENTRICULAR CARDIOMYOPATHY; DESMIN-RELATED MYOPATHY WITH ARRHYTHMOGENIC RIGHT VENTRICULAR CARDIOMYOPATHY; Desminopathy; Desmin related myopathy (former name); Desmin storage myopathy (former name); Myofibrillar myopathy 1. Identifiers: Orphanet 363543, Orphanet 98909, MedGen C1832370, MONDO:0011076, OMIM 601419.

Submission:

Labcorp Genetics (formerly Invitae), Labcorp
Classification: Uncertain significance for Desmin-related myofibrillar myopathy. Last evaluated: 2025-12-10. Review status: criteria provided, single submitter. Criteria: Invitae Variant Classification Sherloc (09022015). Collection method: clinical testing. Allele origin: germline.
Comment: This variant, c.544_555del, results in the deletion of 4 amino acid(s) of the DES protein (p.Asn182_Asp185del), but otherwise preserves the integrity of the reading frame. This variant is not present in population databases (gnomAD no frequency). This variant has not been reported in the literature in individuals affected with DES-related conditions. ClinVar contains an entry for this variant (Variation ID: 855478). Experimental studies and prediction algorithms are not available or were not evaluated, and the functional significance of this variant is currently unknown. In summary, the available evidence is currently insufficient to determine the role of this variant in disease. Therefore, it has been classified as a Variant of Uncertain Significance.